The following is an entry in ClinVar:

NM_001242896.3(DEPDC5):c.562G>T (p.Gly188Trp)

Gene: DEPDC5 (DEP domain containing 5, GATOR1 subcomplex subunit; plus strand). Cytogenetic location: 22q12.2.
Variant type: single nucleotide variant.
Coding change: c.562G>T on transcript NM_001242896.3 (MANE Select); coding-DNA position 562, G replaced by T.
Protein change: p.Gly188Trp; replaces glycine 188 with tryptophan.
Molecular consequence: missense variant. On other transcripts: non-coding transcript variant (5).
Genome position (GRCh38, 1-based): chr22:31,783,985, G>T. VCF-style: chr22-31783985-G-T. GRCh37 (hg19) VCF-style: chr22-32179971-G-T.
Other names: NC_000022.10:g.32179971G>T; c.562G>T, p.Gly188Trp (NM_001007188.4, NM_001136029.4, NM_001242897.2 and 7 more transcripts); c.478G>T, p.Gly160Trp (NM_001369901.1, NM_001369902.1); short protein forms G160W, G188W.
Identifiers: ClinVar variation 2430753 (VCV002430753.3), dbSNP rs2518365694, ClinGen allele CA411285959.
Genomic context (GRCh38, chr22:31,783,985, plus strand): 5'-TCGGCTATGGTTTACATATTTATTCAGATGAGCTGTGAAATGTGGGATTTTGATATTTAT[G>T]GTACTGTGTCTATGTGCTGATTGTAACTGCTAAGGGGAGAATTTTCTGGAACTGCAAATG-3'
Protein context (NP_001229825.1, residues 178-198): SCEMWDFDIY[Gly188Trp]DLYFEKAVNG

ClinVar aggregate classification (germline): Conflicting classifications of pathogenicity. Review status: criteria provided, conflicting classifications (1 of 4 stars). 2 submissions from 2 submitters: Likely pathogenic (1); Uncertain significance (1). Last evaluated 2022-08-24.

Submissions (3):

GeneDx
Classification: Likely pathogenic. Last evaluated: 2022-08-24. Review status: criteria provided, single submitter. Criteria: GeneDx Variant Classification Process June 2021. Collection method: clinical testing. Allele origin: germline. Affected: yes.
Comment: Alters the last nucleotide of the exon and is predicted to destroy the splice donor site and result in aberrant splicing, although in the absence of functional evidence the actual effect of this sequence change is unknown; Not observed at significant frequency in large population cohorts (gnomAD); In silico analysis supports that this missense variant has a deleterious effect on protein structure/function; Has not been previously published as pathogenic or benign to our knowledge

Blueprint Genetics
Classification: Uncertain significance. Last evaluated: 2021-06-04. Review status: criteria provided, single submitter. Criteria: ACMG Guidelines, 2015. Collection method: clinical testing. Allele origin: germline.

Dr. Peter K. Rogan Lab, Western University
No classification provided (evidence only). Condition: Lung cancer. Review status: no classification provided. Collection method: in vitro. Allele origin: not applicable. Functional consequence: retained intron. Not counted in ClinVar's aggregate classification.